The following is an entry in ClinVar:

ClinVar aggregate classification (germline): Uncertain significance. Review status: criteria provided, multiple submitters, no conflicts (2 of 4 stars). 2 submissions from 2 submitters: Uncertain significance (2). Last evaluated 2024-01-10.

Conditions:
Majeed syndrome (MJDS). Also called: LPIN2-Related Majeed Syndrome; CHRONIC RECURRENT MULTIFOCAL OSTEOMYELITIS 1, WITH CONGENITAL DYSERYTHROPOIETIC ANEMIA, WITH OR WITHOUT NEUTROPHILIC DERMATOSIS. Identifiers: Orphanet 77297, MedGen C1864997, MONDO:0012316, OMIM 609628.

Allele frequency attached by ClinVar (database versions not stated): TOPMed 0.00002.
gnomAD v4.1: 36 of 1,608,906 alleles (0.0022%); highest among the groups gnomAD compares: Non-Finnish European, 0.0029%; no homozygotes.

Submissions (2):

ARUP Laboratories, Molecular Genetics and Genomics, ARUP Laboratories
Classification: Uncertain significance for Majeed syndrome. Last evaluated: 2024-01-10. Review status: criteria provided, single submitter. Criteria: ARUP Molecular Germline Variant Investigation Process 2024. Collection method: clinical testing. Allele origin: germline.
Comment: The LPIN2 c.1312C>T; p.Leu438Phe variant (rs138079183), to our knowledge, is not reported in the medical literature but is reported in ClinVar (Variation ID: 536352). This variant is only found on one allele in the Genome Aggregation Database (v2.1.1), indicating it is not a common polymorphism. Computational analyses predict that this variant is neutral (REVEL: 0.099). Due to limited information, the clinical significance of this variant is uncertain at this time.

Labcorp Genetics (formerly Invitae), Labcorp
Classification: Uncertain significance for Majeed syndrome. Last evaluated: 2022-08-23. Review status: criteria provided, single submitter. Criteria: Invitae Variant Classification Sherloc (09022015). Collection method: clinical testing. Allele origin: germline.
Comment: This sequence change replaces leucine, which is neutral and non-polar, with phenylalanine, which is neutral and non-polar, at codon 438 of the LPIN2 protein (p.Leu438Phe). This variant is present in population databases (rs138079183, gnomAD 0.0009%). This variant has not been reported in the literature in individuals affected with LPIN2-related conditions. ClinVar contains an entry for this variant (Variation ID: 536352). Algorithms developed to predict the effect of missense changes on protein structure and function output the following: SIFT: "Tolerated"; PolyPhen-2: "Benign"; Align-GVGD: "Class C0". The phenylalanine amino acid residue is found in multiple mammalian species, which suggests that this missense change does not adversely affect protein function. In summary, the available evidence is currently insufficient to determine the role of this variant in disease. Therefore, it has been classified as a Variant of Uncertain Significance.

NM_001375808.2(LPIN2):c.1312C>T (p.Leu438Phe)

Gene: LPIN2 (lipin 2; minus strand). Cytogenetic location: 18p11.31.
Variant type: single nucleotide variant.
Coding change: c.1312C>T on transcript NM_001375808.2 (MANE Select); coding-DNA position 1312, C replaced by T.
Protein change: p.Leu438Phe; replaces leucine 438 with phenylalanine.
Molecular consequence: missense variant.
Genome position (GRCh38, 1-based): chr18:2,931,400, G>A on the plus strand (C>T on the coding strand, the complement: LPIN2 is on the minus strand). VCF-style: chr18-2931400-G-A. GRCh37 (hg19) VCF-style: chr18-2931398-G-A.
Other names: c.1312C>T, p.Leu438Phe (NM_001375809.1, NM_014646.2); short protein forms L438F.
Identifiers: ClinVar variation 536352 (VCV000536352.7), dbSNP rs138079183, ClinGen allele CA8873135.